The following is an entry in ClinVar:

ClinVar aggregate classification (germline): Uncertain significance. Review status: criteria provided, multiple submitters, no conflicts (2 of 4 stars). 2 submissions from 2 submitters: Uncertain significance (2). Last evaluated 2022-09-26.

Conditions:
Cowden syndrome (CS). Also called: Cowden's disease; Cowden's syndrome; Cowden disease. Identifiers: Orphanet 201, MedGen C0018553, MONDO:0016063. Disease mechanism: gain of function.
Inborn genetic diseases. Identifiers: MedGen C0950123, MeSH D030342.

Allele frequency attached by ClinVar (database versions not stated): ExAC 0.00002; gnomAD exomes 0.00001.
gnomAD v4.1: 9 of 1,595,716 alleles (0.00056%); highest among the groups gnomAD compares: Admixed American, 0.0037%; no homozygotes.

Submissions (2):

Ambry Genetics
Classification: Uncertain significance for Inborn genetic diseases. Last evaluated: 2022-09-26. Review status: criteria provided, single submitter. Criteria: Ambry Variant Classification Scheme 2023. Collection method: clinical testing. Allele origin: germline.
Comment: The p.T435I variant (also known as c.1304C>T), located in coding exon 7 of the PIK3CA gene, results from a C to T substitution at nucleotide position 1304. The threonine at codon 435 is replaced by isoleucine, an amino acid with similar properties. This amino acid position is conserved. In addition, this alteration is predicted to be deleterious by in silico analysis. Since supporting evidence is limited at this time, the clinical significance of this alteration remains unclear.

Labcorp Genetics (formerly Invitae), Labcorp
Classification: Uncertain significance for Cowden syndrome. Last evaluated: 2021-06-19. Review status: criteria provided, single submitter. Criteria: Invitae Variant Classification Sherloc (09022015). Collection method: clinical testing. Allele origin: germline.
Comment: This sequence change replaces threonine with isoleucine at codon 435 of the PIK3CA protein (p.Thr435Ile). The threonine residue is highly conserved and there is a moderate physicochemical difference between threonine and isoleucine. This variant is present in population databases (rs745847400, ExAC 0.02%). This variant has not been reported in the literature in individuals with PIK3CA-related conditions. Advanced modeling of protein sequence and biophysical properties (such as structural, functional, and spatial information, amino acid conservation, physicochemical variation, residue mobility, and thermodynamic stability) performed at Invitae indicates that this missense variant is not expected to disrupt PIK3CA protein function. In summary, the available evidence is currently insufficient to determine the role of this variant in disease. Therefore, it has been classified as a Variant of Uncertain Significance.

NM_006218.4(PIK3CA):c.1304C>T (p.Thr435Ile)

Gene: PIK3CA (phosphatidylinositol-4,5-bisphosphate 3-kinase catalytic subunit alpha; plus strand). Cytogenetic location: 3q26.32.
Variant type: single nucleotide variant.
Coding change: c.1304C>T on transcript NM_006218.4 (MANE Select); coding-DNA position 1304, C replaced by T.
Protein change: p.Thr435Ile; replaces threonine 435 with isoleucine.
Molecular consequence: missense variant.
Genome position (GRCh38, 1-based): chr3:179,210,238, C>T. VCF-style: chr3-179210238-C-T. GRCh37 (hg19) VCF-style: chr3-178928026-C-T.
Other names: short protein forms T435I.
Identifiers: ClinVar variation 1408353 (VCV001408353.10), dbSNP rs745847400, ClinGen allele CA2710695.